The following is an entry in ClinVar:

ClinVar aggregate classification (germline): Pathogenic (0 of 4 stars; one submission).

Conditions:
Lymphatic malformation (LM). Identifiers: MedGen C0398368, MONDO:0019313. Disease mechanism: gain of function.

Submission:

Seattle Children's Hospital Molecular Genetics Laboratory, Seattle Children's Hospital
Classification: Pathogenic for Lymphatic malformation. Last evaluated: 2021-07-06. Review status: no assertion criteria provided. Collection method: clinical testing. Allele origin: somatic. Inheritance: Somatic mutation. Affected: yes. Observed: 1 variant allele, 1 heterozygote.
Comment: A novel deletion-insertion variant was identified in the last exon of PIK3CA (NM_006218.4:c.3202_3206delAACTGinsCTGATAACTGAGAAAATAACTGATAAAATGAAACTGAGA, p.Asn1068Leufs*16). This variant was identified in ~1% of reads (n=1,382), consistent with somatic origin. This variant is not reported in the literature, control population database (gnomAD). The deletion of 5 nucleotides and insertion of 39 nucleotides causes a translation frameshift which substitutes the last C-terminal amino acid of the normal length protein, asparagine (N) for leucine (L) and extends the protein by 16 codons (N* > LITEKITDKMKLRKR*). While this variant has not been reported before, other pathogenic PIK3CA variants that extend the length of the protein are reported (PMID: 15608678, 27631024, ClinVar, COSMIC, cBioPortal). In one report, 50% of hepatocellular carcinomas had a different variant (c.3203dupA) that also changed the last C-terminal amino acid (N) and extended the protein by 3 amino acids (N* > KLKR*) (PMID: 15608678). The functional effect of the p.Asn1068Leufs*16 variant on the autonomous activation and enhancement of theÂ PI3K-AKT-mTOR pathway is unknown. Somatic PIK3CA mutations are the most common cause of isolated lymphatic malformations (LMs) and disorders in which LM is a component feature (PMID: 31536475, 25681199, 29985963; NBK153722). The recently defined PIK3CA-related overgrowth spectrum (PROS) disorders represent clinically recognizable conditions, typically discerned at birth or during early childhood, and are associated with cutaneous, vascular, skeletal and cerebral anomalies, as well as focal or segmental overgrowth of the body. PIK3CA variants associated with PROS overlap those reported as oncogenic variants found in multiple tumor types (COSMIC and cBioPortal Databases). Clinical investigation is underway to evaluate targeted therapies in lesional tissue harboring a PIK3CA mutation.

Literature cited by the submitters: PubMed 15608678; PubMed 27631024; PubMed 31536475; PubMed 25681199; PubMed 29985963; NCBI Bookshelf 153722.

NM_006218.4(PIK3CA):c.3202_3205delinsCTGATAACTGAGAAAATAACTGATAAAATGAAACTGA (p.Asn1068_Ter1069delinsLeuIleThrGluLysIleThrAspLysMetLysLeuArg)

Gene: PIK3CA (phosphatidylinositol-4,5-bisphosphate 3-kinase catalytic subunit alpha; plus strand). Cytogenetic location: 3q26.32.
Variant type: Indel.
Coding change: c.3202_3205delinsCTGATAACTGAGAAAATAACTGATAAAATGAAACTGA on transcript NM_006218.4 (MANE Select); coding-DNA positions 3202 to 3205, the reference bases replaced by an inserted sequence.
Protein change: p.Asn1068_Ter1069delinsLeuIleThrGluLysIleThrAspLysMetLysLeuArg.
Molecular consequence: stop lost.
Genome position (GRCh38, 1-based): chr3:179,234,359-179,234,362, 4 bases replaced. GRCh37 (hg19): chr3:178,952,147-178,952,150.
Identifiers: ClinVar variation 1177432 (VCV001177432.2), dbSNP rs2108430158, ClinGen allele CA2499216585.